The following is an entry in ClinVar:

ClinVar aggregate classification (germline): Benign. Review status: criteria provided, multiple submitters, no conflicts (2 of 4 stars). 2 submissions from 2 submitters: Benign (2). Last evaluated 2018-01-13.

Conditions:
Deficiency of phosphoserine phosphatase (PSPHD). Also called: Phosphoserine phosphatase deficiency; PSPH deficiency. Identifiers: Orphanet 79350, MedGen C1291463, MONDO:0013531, OMIM 614023.

Allele frequency attached by ClinVar (database versions not stated): 1000 Genomes Project 30x 0.04763; 1000 Genomes Project 0.04872; gnomAD 0.05387 and 0.05479; TOPMed 0.05471; gnomAD exomes 0.05683.

Submissions (14):

Illumina Laboratory Services, Illumina
Classification: Benign for Deficiency of phosphoserine phosphatase. Last evaluated: 2018-01-13. Review status: criteria provided, single submitter. Criteria: ICSL Variant Classification Criteria 13 December 2019. Collection method: clinical testing. Allele origin: germline.
Comment: This variant was observed in the ICSL laboratory as part of a predisposition screen in an ostensibly healthy population. It had not been previously curated by ICSL or reported in the Human Gene Mutation Database (HGMD: prior to June 1st, 2018), and was therefore a candidate for classification through an automated scoring system. Utilizing variant allele frequency, disease prevalence and penetrance estimates, and inheritance mode, an automated score was calculated to assess if this variant is too frequent to cause the disease. Based on the score and internal cut-off values, a variant classified as benign is not then subjected to further curation. The score for this variant resulted in a classification of benign for this disease.

Breakthrough Genomics
Classification: Benign. Review status: criteria provided, single submitter. Criteria: ACMG Guidelines, 2015. Collection method: not provided. Allele origin: germline. Inheritance: Autosomal recessive inheritance. Affected: yes.

Dr. Peter K. Rogan Lab, Western University
No classification provided (evidence only). Condition: Familial cancer of breast. Review status: no classification provided. Collection method: in vitro. Allele origin: not applicable. Functional consequence: retained intron. Not counted in ClinVar's aggregate classification.

Dr. Peter K. Rogan Lab, Western University
No classification provided (evidence only). Condition: Acute myeloid leukemia. Review status: no classification provided. Collection method: in vitro. Allele origin: not applicable. Functional consequence: retained intron. Not counted in ClinVar's aggregate classification.

Dr. Peter K. Rogan Lab, Western University
No classification provided (evidence only). Condition: Cervical cancer. Review status: no classification provided. Collection method: in vitro. Allele origin: not applicable. Functional consequence: retained intron. Not counted in ClinVar's aggregate classification.

Dr. Peter K. Rogan Lab, Western University
No classification provided (evidence only). Condition: Cervical cancer. Review status: no classification provided. Collection method: in vitro. Allele origin: not applicable. Functional consequence: retained intron. Not counted in ClinVar's aggregate classification.

Dr. Peter K. Rogan Lab, Western University
No classification provided (evidence only). Condition: Cervical cancer. Review status: no classification provided. Collection method: in vitro. Allele origin: not applicable. Functional consequence: retained intron. Not counted in ClinVar's aggregate classification.

Dr. Peter K. Rogan Lab, Western University
No classification provided (evidence only). Condition: Sarcoma. Review status: no classification provided. Collection method: in vitro. Allele origin: not applicable. Functional consequence: retained intron. Not counted in ClinVar's aggregate classification.

Dr. Peter K. Rogan Lab, Western University
No classification provided (evidence only). Condition: Sarcoma. Review status: no classification provided. Collection method: in vitro. Allele origin: not applicable. Functional consequence: retained intron. Not counted in ClinVar's aggregate classification.

Dr. Peter K. Rogan Lab, Western University
No classification provided (evidence only). Condition: Sarcoma. Review status: no classification provided. Collection method: in vitro. Allele origin: not applicable. Functional consequence: retained intron. Not counted in ClinVar's aggregate classification.

Dr. Peter K. Rogan Lab, Western University
No classification provided (evidence only). Condition: Cholangiocarcinoma. Review status: no classification provided. Collection method: in vitro. Allele origin: not applicable. Functional consequence: retained intron. Not counted in ClinVar's aggregate classification.

Dr. Peter K. Rogan Lab, Western University
No classification provided (evidence only). Condition: Ovarian serous cystadenocarcinoma. Review status: no classification provided. Collection method: in vitro. Allele origin: not applicable. Functional consequence: retained intron. Not counted in ClinVar's aggregate classification.

Dr. Peter K. Rogan Lab, Western University
No classification provided (evidence only). Condition: Malignant tumor of esophagus. Review status: no classification provided. Collection method: in vitro. Allele origin: not applicable. Functional consequence: retained intron. Not counted in ClinVar's aggregate classification.

Dr. Peter K. Rogan Lab, Western University
No classification provided (evidence only). Condition: Malignant tumor of esophagus. Review status: no classification provided. Collection method: in vitro. Allele origin: not applicable. Functional consequence: retained intron. Not counted in ClinVar's aggregate classification.

NM_004577.4(PSPH):c.*406G>A

Gene: PSPH (phosphoserine phosphatase; minus strand). Cytogenetic location: 7p11.2.
Variant type: single nucleotide variant.
Coding change: c.*406G>A on transcript NM_004577.4 (MANE Select); 406 bases downstream of the stop codon, G replaced by A.
Molecular consequence: 3 prime UTR variant.
Genome position (GRCh38, 1-based): chr7:56,011,356, C>T on the plus strand (G>A on the coding strand, the complement: PSPH is on the minus strand). VCF-style: chr7-56011356-C-T. GRCh37 (hg19) VCF-style: chr7-56079049-C-T.
Other names: NC_000007.13:g.56079049C>T; c.*406G>A (NM_001370503.1, NM_001370504.1, NM_001370505.1 and 17 more transcripts).
Identifiers: ClinVar variation 360495 (VCV000360495.7), dbSNP rs145544909, ClinGen allele CA10629400.
Genomic context (GRCh38, chr7:56,011,356, plus strand): 5'-GAGGCAGGCGGATCACAAGGTCAGGAGATCAAGACCATCCTGGCTAACACGGTCAAACCC[C>T]GTCTCTACTAAAAATACAAAAAATTAGCCGGATGTGGTGGCGGGTGCCTGTAGTCCCAGC-3'